The following is an entry in ClinVar:

ClinVar aggregate classification (germline): Uncertain significance (1 of 4 stars; one submission).

Conditions:
Hereditary cancer-predisposing syndrome. Also called: Hereditary Cancer Syndrome; Tumor predisposition; Hereditary neoplastic syndrome; Neoplastic Syndromes, Hereditary. Identifiers: Orphanet 140162, MedGen C0027672, MeSH D009386, MONDO:0015356.
Cardiovascular phenotype. Identifiers: MedGen CN230736.

Submission:

Ambry Genetics
Classification: Uncertain significance for Cardiovascular phenotype; Hereditary cancer-predisposing syndrome. Last evaluated: 2024-08-19. Review status: criteria provided, single submitter. Criteria: Ambry Variant Classification Scheme 2023. Collection method: clinical testing. Allele origin: germline.
Comment: The p.L2304R variant (also known as c.6911T>G), located in coding exon 46 of the NF1 gene, results from a T to G substitution at nucleotide position 6911. The leucine at codon 2304 is replaced by arginine, an amino acid with dissimilar properties. This amino acid position is conserved. In addition, the in silico prediction for this alteration is inconclusive. Based on the available evidence, the clinical significance of this variant remains unclear.

NM_001042492.3(NF1):c.6974T>G (p.Leu2325Arg)

Gene: NF1 (neurofibromin 1; plus strand). Cytogenetic location: 17q11.2.
Variant type: single nucleotide variant.
Coding change: c.6974T>G on transcript NM_001042492.3 (MANE Select); coding-DNA position 6974, T replaced by G.
Protein change: p.Leu2325Arg; replaces leucine 2325 with arginine.
Molecular consequence: missense variant.
Genome position (GRCh38, 1-based): chr17:31,340,557, T>G. VCF-style: chr17-31340557-T-G. GRCh37 (hg19) VCF-style: chr17-29667575-T-G.
Other names: c.6911T>G, p.Leu2304Arg (NM_000267.4); short protein forms L2304R, L2325R.
Identifiers: ClinVar variation 3404711 (VCV003404711.1).